The following is an entry in ClinVar:

NM_152419.3(HGSNAT):c.1796T>C (p.Leu599Pro)

Gene: HGSNAT (heparan-alpha-glucosaminide N-acetyltransferase; plus strand). Cytogenetic location: 8p11.21.
Variant type: single nucleotide variant.
Coding change: c.1796T>C on transcript NM_152419.3 (MANE Select); coding-DNA position 1796, T replaced by C.
Protein change: p.Leu599Pro; replaces leucine 599 with proline.
Molecular consequence: missense variant.
Genome position (GRCh38, 1-based): chr8:43,199,457, T>C. VCF-style: chr8-43199457-T-C. GRCh37 (hg19) VCF-style: chr8-43054600-T-C.
Other names: c.1796T>C (NM_152419.2); c.1883T>C, p.Leu628Pro (NM_001363227.2); c.1604T>C, p.Leu535Pro (NM_001363228.2); c.932T>C, p.Leu311Pro (NM_001363229.2); short protein forms L311P, L535P, L599P, L628P.
Identifiers: ClinVar variation 1003782 (VCV001003782.4), dbSNP rs928930218, ClinGen allele CA176076961.

ClinVar aggregate classification (germline): Uncertain significance. Review status: criteria provided, multiple submitters, no conflicts (2 of 4 stars). 3 submissions from 3 submitters: Uncertain significance (2). 1 of the submissions does not count toward it. Last evaluated 2025-09-25.

Conditions:
Mucopolysaccharidosis, MPS-III-C (MPS3C). Also called: MPS IIIC (Sanfilippo Syndrome Type C); MUCOPOLYSACCHARIDOSIS, TYPE IIIC; Mucopolysaccharidosis type IIIC (Sanfilippo C); mucopolysaccharidosis type 3C; SANFILIPPO SYNDROME C; MPS III C. Identifiers: Orphanet 581, Orphanet 79271, MedGen C0086649, MONDO:0009657, OMIM 252930.
Retinitis pigmentosa 73 (RP73). Identifiers: Orphanet 791, MedGen C4225287, MONDO:0014687, OMIM 616544.
Inborn genetic diseases. Identifiers: MedGen C0950123, MeSH D030342.

Allele frequency attached by ClinVar (database versions not stated): TOPMed 0.00001.

Submissions (3):

Ambry Genetics
Classification: Uncertain significance for Inborn genetic diseases. Last evaluated: 2025-09-25. Review status: criteria provided, single submitter. Criteria: Ambry Variant Classification Scheme 2023. Collection method: clinical testing. Allele origin: germline.

Labcorp Genetics (formerly Invitae), Labcorp
Classification: Uncertain significance for Retinitis pigmentosa 73; Mucopolysaccharidosis, MPS-III-C. Last evaluated: 2022-09-27. Review status: criteria provided, single submitter. Criteria: Invitae Variant Classification Sherloc (09022015). Collection method: clinical testing. Allele origin: germline.
Comment: This sequence change replaces leucine, which is neutral and non-polar, with proline, which is neutral and non-polar, at codon 599 of the HGSNAT protein (p.Leu599Pro). This variant is present in population databases (no rsID available, gnomAD 0.007%). This variant has not been reported in the literature in individuals affected with HGSNAT-related conditions. ClinVar contains an entry for this variant (Variation ID: 1003782). Advanced modeling of protein sequence and biophysical properties (such as structural, functional, and spatial information, amino acid conservation, physicochemical variation, residue mobility, and thermodynamic stability) has been performed at Invitae for this missense variant, however the output from this modeling did not meet the statistical confidence thresholds required to predict the impact of this variant on HGSNAT protein function. In summary, the available evidence is currently insufficient to determine the role of this variant in disease. Therefore, it has been classified as a Variant of Uncertain Significance.

Natera, Inc.
Classification: Uncertain significance for Mucopolysaccharidosis type IIIC. Last evaluated: 2020-04-14. Review status: no assertion criteria provided. Collection method: clinical testing. Allele origin: germline. Not counted in ClinVar's aggregate classification.